The following is an entry in ClinVar:

NM_006005.3(WFS1):c.169G>A (p.Ala57Thr)

Gene: WFS1 (wolframin ER transmembrane glycoprotein; plus strand). Cytogenetic location: 4p16.1.
Variant type: single nucleotide variant.
Coding change: c.169G>A on transcript NM_006005.3 (MANE Select); coding-DNA position 169, G replaced by A.
Protein change: p.Ala57Thr; replaces alanine 57 with threonine.
Molecular consequence: missense variant.
Genome position (GRCh38, 1-based): chr4:6,277,624, G>A. VCF-style: chr4-6277624-G-A. GRCh37 (hg19) VCF-style: chr4-6279351-G-A.
Other names: c.169G>A, p.Ala57Thr (NM_001145853.1); short protein forms A57T.
Identifiers: ClinVar variation 252656 (VCV000252656.17), dbSNP rs372783392, ClinGen allele CA2838810.

ClinVar aggregate classification (germline): Conflicting classifications of pathogenicity. Review status: criteria provided, conflicting classifications (1 of 4 stars). 8 submissions from 8 submitters: Uncertain significance (6); Benign (1); Likely benign (1). Last evaluated 2025-12-10.

Conditions:
WFS1-related disorder. Identifiers: MedGen CN379391, MONDO:0700293.
Wolfram-like syndrome. Also called: HEARING LOSS, PROGRESSIVE, WITH OPTIC ATROPHY AND/OR IMPAIRED GLUCOSE REGULATION. Identifiers: Orphanet 411590, MedGen C3280358, MONDO:0013673, OMIM 614296.
Wolfram syndrome 1 (WFS1). Identifiers: Orphanet 3463, MedGen C4551693, MONDO:0009101, OMIM 222300.
Type 2 diabetes mellitus. Also called: Type II diabetes mellitus. Identifiers: MedGen C0011860, MeSH D003924, MONDO:0005148, OMIM 125853, HP:0005978.
Autosomal dominant nonsyndromic hearing loss 6 (LFSNHL). Also called: DEAFNESS, AUTOSOMAL DOMINANT 6; DEAFNESS, AUTOSOMAL DOMINANT 14; DEAFNESS, AUTOSOMAL DOMINANT 38; Autosomal dominant nonsyndromic deafness 6. Identifiers: Orphanet 90635, MedGen C1833021, MONDO:0010963, OMIM 600965.
Cataract 41 (CTRCT41). Also called: CATARACT 41, CONGENITAL NUCLEAR TYPE. Identifiers: Orphanet 91492, Orphanet 98991, Orphanet 98992, Orphanet 98995, MedGen C3805412, MONDO:0007287, OMIM 116400.

Allele frequency attached by ClinVar (database versions not stated): TOPMed 0.00005; ESP Exome Variant Server 0.00008.

Submissions (8):

Labcorp Genetics (formerly Invitae), Labcorp
Classification: Uncertain significance. Last evaluated: 2025-12-10. Review status: criteria provided, single submitter. Criteria: Invitae Variant Classification Sherloc (09022015). Collection method: clinical testing. Allele origin: germline.
Comment: This sequence change replaces alanine, which is neutral and non-polar, with threonine, which is neutral and polar, at codon 57 of the WFS1 protein (p.Ala57Thr). The frequency data for this variant in the population databases is considered unreliable, as metrics indicate poor data quality at this position in the gnomAD database. This variant has not been reported in the literature in individuals affected with WFS1-related conditions. ClinVar contains an entry for this variant (Variation ID: 252656). Invitae Evidence Modeling of protein sequence and biophysical properties (such as structural, functional, and spatial information, amino acid conservation, physicochemical variation, residue mobility, and thermodynamic stability) indicates that this missense variant is not expected to disrupt WFS1 protein function with a negative predictive value of 80%. In summary, the available evidence is currently insufficient to determine the role of this variant in disease. Therefore, it has been classified as a Variant of Uncertain Significance.

ARUP Laboratories, Molecular Genetics and Genomics, ARUP Laboratories
Classification: Likely benign. Last evaluated: 2025-03-06. Review status: criteria provided, single submitter. Criteria: ARUP Molecular Germline Variant Investigation Process 2024. Collection method: clinical testing. Allele origin: germline.

PreventionGenetics, part of Exact Sciences
Classification: Uncertain significance for WFS1-related condition. Last evaluated: 2025-03-06. Review status: criteria provided, single submitter. Criteria: ACMG Guidelines, 2015. Collection method: clinical testing. Allele origin: germline.
Comment: The WFS1 c.169G>A variant is predicted to result in the amino acid substitution p.Ala57Thr. To our knowledge, this variant has not been reported in the literature. This variant is reported in 0.013% of alleles in individuals of East Asian descent in gnomAD. At this time, the clinical significance of this variant is uncertain due to the absence of conclusive functional and genetic evidence.

Fulgent Genetics
Classification: Uncertain significance for Cataract 41; Type 2 diabetes mellitus; Wolfram syndrome 1; Autosomal dominant nonsyndromic hearing loss 6; Wolfram-like syndrome. Last evaluated: 2024-01-10. Review status: criteria provided, single submitter. Criteria: ACMG Guidelines, 2015. Collection method: clinical testing. Allele origin: germline.

Blueprint Genetics
Classification: Uncertain significance. Last evaluated: 2021-08-25. Review status: criteria provided, single submitter. Criteria: ACMG Guidelines, 2015. Collection method: clinical testing. Allele origin: germline.

Laboratory for Molecular Medicine, Mass General Brigham Personalized Medicine
Classification: Uncertain significance. Last evaluated: 2017-12-05. Review status: criteria provided, single submitter. Criteria: LMM Criteria. Collection method: clinical testing. Allele origin: germline. Observed: 2 variant alleles.
Comment: Variant classified as Uncertain Significance - Favor Benign. The p.Ala57Thr vari ant in WFS1 has not been previously reported in individuals with hearing loss. T his variant has been identified in 2/8708 African chromosomes by the Genome Aggr egation Database (gnomAD; dbSNP rs372783392) a nd has been reported in ClinVar (Variation ID: 252656) as a variant of uncertain significance in an individual with unspecified clinical status. Although this v ariant has been seen in the general population, its frequency is not high enough to rule out a pathogenic role. The Alanine (Ala) at position 57 is not conserve d in mammals, and 2 mammals carry a Threonine (Thr) despite high nearby amino ac id conservation, raising the possibility that this change at this position may b e tolerated. Additional computational prediction tools suggest that the p.Ala57T hr variant may not impact the protein, though this information is not predictive enough to rule out pathogenicity. In summary, while the clinical significance o f the p.Ala57Thr variant is uncertain, available data suggest that it is more li kely to be benign. ACMG/AMP Criteria applied: BP4.

Genomic Diagnostic Laboratory, Division of Genomic Diagnostics, Children's Hospital of Philadelphia
Classification: Uncertain significance. Last evaluated: 2015-10-16. Review status: criteria provided, single submitter. Criteria: DGD Variant Analysis Guidelines. Collection method: clinical testing. Allele origin: unknown.

Clinical Genomics, Uppaluri K&H Personalized Medicine Clinic
Classification: Benign for Wolfram syndrome 1. Review status: criteria provided, single submitter. Criteria: K & H Uppaluri Personalized Medicine Clinic Variant Classification & Assertion Criteria_Updated V.1. Collection method: research. Allele origin: unknown. Inheritance: Autosomal recessive inheritance.
Comment: Potent mutations in WFS1 gene are associated with Wolfram's syndrome, an autosomal recessive condition, which cause diabetes mellitus, diabetes insipidus, deafness and optic atrophy. However no sufficient evidence is found to ascertain the role of this particular variant rs372783392 in Wolfram's syndrome yet.

Literature cited by the submitters: PubMed 20738327 (cited by Clinical Genomics, Uppaluri K&H Personalized Medicine Clinic); PubMed 33879153 (cited by Clinical Genomics, Uppaluri K&H Personalized Medicine Clinic); PubMed 12955714 (cited by Clinical Genomics, Uppaluri K&H Personalized Medicine Clinic); PubMed 18060660 (cited by Clinical Genomics, Uppaluri K&H Personalized Medicine Clinic); PubMed 20301750 (cited by Clinical Genomics, Uppaluri K&H Personalized Medicine Clinic); PubMed 17603484 (cited by Clinical Genomics, Uppaluri K&H Personalized Medicine Clinic).